The following is an entry in ClinVar:

ClinVar aggregate classification (germline): Benign/Likely benign. Review status: criteria provided, multiple submitters, no conflicts (2 of 4 stars). 3 submissions from 3 submitters: Benign (2); Likely benign (1). Last evaluated 2025-12-23.

Conditions:
Fibrous dysplasia of jaw (CRBM). Also called: Cherubism. Identifiers: Orphanet 184, MedGen C0008029, MONDO:0007315, OMIM 118400.

Allele frequency attached by ClinVar (database versions not stated): gnomAD 0.00001 and 0.00005; TOPMed 0.00002; 1000 Genomes Project 30x 0.00016; 1000 Genomes Project 0.00020; gnomAD exomes 0.00025 and 0.00013; ExAC 0.00036.
gnomAD v4.1: 193 of 1,613,924 alleles (0.012%); highest among the groups gnomAD compares: South Asian, 0.19%; 1 homozygote.

Submissions (3):

Labcorp Genetics (formerly Invitae), Labcorp
Classification: Benign for Fibrous dysplasia of jaw. Last evaluated: 2025-12-23. Review status: criteria provided, single submitter. Criteria: Invitae Variant Classification Sherloc (09022015). Collection method: clinical testing. Allele origin: germline.

Blueprint Genetics
Classification: Likely benign. Last evaluated: 2023-10-25. Review status: criteria provided, single submitter. Criteria: ACMG Guidelines, 2015. Collection method: clinical testing. Allele origin: germline.

Illumina Laboratory Services, Illumina
Classification: Benign for Fibrous dysplasia of jaw. Last evaluated: 2018-01-13. Review status: criteria provided, single submitter. Criteria: ICSL Variant Classification Criteria 13 December 2019. Collection method: clinical testing. Allele origin: germline.
Comment: This variant was observed in the ICSL laboratory as part of a predisposition screen in an ostensibly healthy population. It had not been previously curated by ICSL or reported in the Human Gene Mutation Database (HGMD: prior to June 1st, 2018), and was therefore a candidate for classification through an automated scoring system. Utilizing variant allele frequency, disease prevalence and penetrance estimates, and inheritance mode, an automated score was calculated to assess if this variant is too frequent to cause the disease. Based on the score and internal cut-off values, a variant classified as benign is not then subjected to further curation. The score for this variant resulted in a classification of benign for this disease.

NM_001122681.2(SH3BP2):c.213C>T (p.Gly71=)

Gene: SH3BP2 (SH3 domain binding protein 2; plus strand). Cytogenetic location: 4p16.3.
Variant type: single nucleotide variant.
Coding change: c.213C>T on transcript NM_001122681.2 (MANE Select); coding-DNA position 213, C replaced by T.
Protein change: p.Gly71=; no amino-acid change (glycine 71 retained).
Molecular consequence: synonymous variant.
Genome position (GRCh38, 1-based): chr4:2,823,011, C>T. VCF-style: chr4-2823011-C-T. GRCh37 (hg19) VCF-style: chr4-2824738-C-T.
Other names: c.297C>T, p.Gly99= (LRG_1334t2, NM_001145855.2); c.213C>T, p.Gly71= (LRG_1334t1, NM_003023.4); c.384C>T, p.Gly128= (NM_001145856.2).
Identifiers: ClinVar variation 348567 (VCV000348567.16), dbSNP rs553536573, ClinGen allele CA2818940.